The following is an entry in ClinVar:

ClinVar aggregate classification (germline): Uncertain significance (1 of 4 stars; one submission).

Submission:

Labcorp Genetics (formerly Invitae), Labcorp
Classification: Uncertain significance. Last evaluated: 2023-01-28. Review status: criteria provided, single submitter. Criteria: Invitae Variant Classification Sherloc (09022015). Collection method: clinical testing. Allele origin: germline.
Comment: In summary, the available evidence is currently insufficient to determine the role of this variant in disease. Therefore, it has been classified as a Variant of Uncertain Significance. This variant has not been reported in the literature in individuals affected with HUWE1-related conditions. This variant results in a copy number gain of the genomic region encompassing exon(s) 8-84 of the HUWE1 gene. This region includes the termination codon of the gene. This copy number gain extends beyond the assayed region for this gene and therefore may encompass additional genes. As the precise location of this event is unknown, it may be in tandem or it may be located elsewhere in the genome.

NC_000023.10:g.(?_53560270)_(53661270_?)dup

Genes: HUWE1 (HECT, UBA and WWE domain containing E3 ubiquitin protein ligase 1; minus strand), MIR98 (microRNA 98; minus strand), MIRLET7F2 (microRNA let-7f-2; minus strand). Cytogenetic location: Xp11.22.
Variant type: Duplication.
Identifiers: ClinVar variation 2426969 (VCV002426969.4).